The following is an entry in ClinVar:

ClinVar aggregate classification (germline): Uncertain significance (1 of 4 stars; one submission).

Conditions:
Hereditary cancer-predisposing syndrome. Also called: Tumor predisposition; Hereditary Cancer Syndrome; Hereditary neoplastic syndrome; Neoplastic Syndromes, Hereditary. Identifiers: Orphanet 140162, MedGen C0027672, MeSH D009386, MONDO:0015356.

gnomAD v4.1: 2 of 1,614,240 alleles (0.00012%); highest among the groups gnomAD compares: East Asian, 0.0045%; no homozygotes.

Submission:

Ambry Genetics
Classification: Uncertain significance for Hereditary cancer-predisposing syndrome. Last evaluated: 2024-04-19. Review status: criteria provided, single submitter. Criteria: Ambry Variant Classification Scheme 2023. Collection method: clinical testing. Allele origin: germline.
Comment: The p.F494L variant (also known as c.1482C>G), located in coding exon 13 of the FANCC gene, results from a C to G substitution at nucleotide position 1482. The phenylalanine at codon 494 is replaced by leucine, an amino acid with highly similar properties. This amino acid position is conserved. In addition, this alteration is predicted to be tolerated by in silico analysis. Based on the available evidence, the clinical significance of this variant remains unclear.

NM_000136.3(FANCC):c.1482C>G (p.Phe494Leu)

Genes: AOPEP (aminopeptidase O (putative); plus strand), FANCC (FA complementation group C; minus strand). Cytogenetic location: 9q22.32.
Variant type: single nucleotide variant.
Coding change: c.1482C>G on transcript NM_000136.3 (MANE Select); coding-DNA position 1482, C replaced by G.
Protein change: p.Phe494Leu; replaces phenylalanine 494 with leucine.
Molecular consequence: missense variant.
Genome position (GRCh38, 1-based): chr9:95,107,117, G>C on the plus strand (C>G on the coding strand, the complement: FANCC is on the minus strand). VCF-style: chr9-95107117-G-C. GRCh37 (hg19) VCF-style: chr9-97869399-G-C.
Other names: c.1482C>G, p.Phe494Leu (NM_001243743.2); short protein forms F494L.
Identifiers: ClinVar variation 3277634 (VCV003277634.1).